The following is an entry in ClinVar:

ClinVar aggregate classification (germline): Uncertain significance (1 of 4 stars; one submission).

Conditions:
Walker-Warburg congenital muscular dystrophy. Also called: Muscular dystrophy-dystroglycanopathy, type A; Walker-Warburg syndrome. Identifiers: Orphanet 899, MedGen C0265221, MONDO:0000171.
Muscular dystrophy-dystroglycanopathy (congenital with impaired intellectual development), type B, 1. Also called: Muscular dystrophy-dystroglycanopathy (congenital with intellectual disability), type B1; MUSCULAR DYSTROPHY, CONGENITAL, POMT1-RELATED. Identifiers: MedGen C5436962, MONDO:0013159, OMIM 613155.
Autosomal recessive limb-girdle muscular dystrophy type 2K. Also called: MUSCULAR DYSTROPHY-DYSTROGLYCANOPATHY (LIMB-GIRDLE), TYPE C, 1; MUSCULAR DYSTROPHY, LIMB-GIRDLE, TYPE 2K. Identifiers: Orphanet 86812, MedGen C1836373, MONDO:0012248, OMIM 609308.

Allele frequency attached by ClinVar (database versions not stated): gnomAD exomes below 0.00001.

Submission:

Labcorp Genetics (formerly Invitae), Labcorp
Classification: Uncertain significance for Muscular dystrophy-dystroglycanopathy (congenital with impaired intellectual development), type B, 1; Walker-Warburg congenital muscular dystrophy; Autosomal recessive limb-girdle muscular dystrophy type 2K. Last evaluated: 2024-02-16. Review status: criteria provided, single submitter. Criteria: Invitae Variant Classification Sherloc (09022015). Collection method: clinical testing. Allele origin: germline.
Comment: This sequence change replaces threonine, which is neutral and polar, with isoleucine, which is neutral and non-polar, at codon 577 of the POMT1 protein (p.Thr577Ile). This variant is not present in population databases (gnomAD no frequency). This variant has not been reported in the literature in individuals affected with POMT1-related conditions. ClinVar contains an entry for this variant (Variation ID: 2417064). Advanced modeling of protein sequence and biophysical properties (such as structural, functional, and spatial information, amino acid conservation, physicochemical variation, residue mobility, and thermodynamic stability) has been performed at Invitae for this missense variant, however the output from this modeling did not meet the statistical confidence thresholds required to predict the impact of this variant on POMT1 protein function. In summary, the available evidence is currently insufficient to determine the role of this variant in disease. Therefore, it has been classified as a Variant of Uncertain Significance.

NM_001077365.2(POMT1):c.1664C>T (p.Thr555Ile)

Gene: POMT1 (protein O-mannosyltransferase 1; plus strand). Cytogenetic location: 9q34.13.
Variant type: single nucleotide variant.
Coding change: c.1664C>T on transcript NM_001077365.2 (MANE Select); coding-DNA position 1664, C replaced by T.
Protein change: p.Thr555Ile; replaces threonine 555 with isoleucine.
Molecular consequence: missense variant. On other transcripts: non-coding transcript variant (10).
Genome position (GRCh38, 1-based): chr9:131,520,159, C>T. VCF-style: chr9-131520159-C-T. GRCh37 (hg19) VCF-style: chr9-134395546-C-T.
Other names: c.1502C>T, p.Thr501Ile (NM_001077366.2, NM_001353194.2); c.1664C>T, p.Thr555Ile (NM_001136113.2); c.1313C>T, p.Thr438Ile (NM_001136114.2, NM_001353195.2, NM_001374691.1 and 2 more transcripts); c.1730C>T, p.Thr577Ile (NM_001353193.2, NM_007171.4); c.1574C>T, p.Thr525Ile (NM_001353196.2); c.1568C>T, p.Thr523Ile (NM_001353197.2, NM_001353198.2); c.1379C>T, p.Thr460Ile (NM_001353199.2); c.1208C>T, p.Thr403Ile (NM_001353200.2); and 4 more; short protein forms T178I, T403I, T425I, T438I, T460I, T482I, T501I, T523I.
Identifiers: ClinVar variation 2417064 (VCV002417064.7), dbSNP rs1564384031, ClinGen allele CA375313185.